The following is an entry in ClinVar:

NM_000533.5(PLP1):c.739G>A (p.Ala247Thr)

Genes: PLP1 (proteolipid protein 1; plus strand), RAB9B (RAB9B, member RAS oncogene family; minus strand). Cytogenetic location: Xq22.2.
Variant type: single nucleotide variant.
Coding change: c.739G>A on transcript NM_000533.5 (MANE Select); coding-DNA position 739, G replaced by A.
Protein change: p.Ala247Thr; replaces alanine 247 with threonine.
Molecular consequence: missense variant.
Genome position (GRCh38, 1-based): chrX:103,789,375, G>A. VCF-style: chrX-103789375-G-A. GRCh37 (hg19) VCF-style: chrX-103044304-G-A.
Other names: c.739G>A, p.Ala247Thr (NM_001128834.3); c.574G>A, p.Ala192Thr (NM_001305004.1); c.634G>A, p.Ala212Thr (NM_199478.3); c.739G>A (NM_000533.3); short protein forms A247T, A192T, A212T.
Identifiers: ClinVar variation 286873 (VCV000286873.6), dbSNP rs886043504, ClinGen allele CA10605597.

ClinVar aggregate classification (germline): Conflicting classifications of pathogenicity. Review status: criteria provided, conflicting classifications (1 of 4 stars). 2 submissions from 2 submitters: Likely pathogenic (1); Uncertain significance (1). Last evaluated 2024-01-02.

Submissions (2):

GeneDx
Classification: Likely pathogenic. Last evaluated: 2024-01-02. Review status: criteria provided, single submitter. Criteria: GeneDx Variant Classification Process June 2021. Collection method: clinical testing. Allele origin: germline. Affected: yes.
Comment: Missense variants in this gene are a common cause of disease and they are underrepresented in the general population; In silico analysis supports that this missense variant has a deleterious effect on protein structure/function; Not observed at significant frequency in large population cohorts (gnomAD); This variant is associated with the following publications: (PMID: 28101371, 10425042)

Eurofins Ntd Llc (ga)
Classification: Uncertain significance. Last evaluated: 2017-05-24. Review status: criteria provided, single submitter. Criteria: EGL Classification Definitions 2015. Collection method: clinical testing. Allele origin: germline. Observed: 1 variant allele, 1 hemizygote.